The following is an entry in ClinVar:

NM_001999.4(FBN2):c.784C>T (p.Arg262Ter)

Gene: FBN2 (fibrillin 2; minus strand). Cytogenetic location: 5q23.3.
Variant type: single nucleotide variant.
Coding change: c.784C>T on transcript NM_001999.4 (MANE Select); coding-DNA position 784, C replaced by T.
Protein change: p.Arg262Ter; replaces arginine 262 with a stop codon.
Molecular consequence: nonsense.
Genome position (GRCh38, 1-based): chr5:128,464,766, G>A on the plus strand (C>T on the coding strand, the complement: FBN2 is on the minus strand). VCF-style: chr5-128464766-G-A. GRCh37 (hg19) VCF-style: chr5-127800459-G-A.
Other names: short protein forms R262*.
Identifiers: ClinVar variation 3348920 (VCV003348920.2).

ClinVar aggregate classification (germline): Uncertain significance. Review status: criteria provided, single submitter (1 of 4 stars). 2 submissions from 2 submitters: Uncertain significance (1). 1 of the submissions does not count toward it. Last evaluated 2025-03-21.

Conditions:
FBN2-related disorder. Also called: FBN2-related condition.

Submissions (2):

ARUP Laboratories, Molecular Genetics and Genomics, ARUP Laboratories
Classification: Uncertain significance. Last evaluated: 2025-03-21. Review status: criteria provided, single submitter. Criteria: ARUP Molecular Germline Variant Investigation Process 2024. Collection method: clinical testing. Allele origin: germline.
Comment: The FBN2 c.784C>T; p.Arg262Ter variant, to our knowledge, is not reported in the medical literature but is reported in ClinVar (Variation ID: 3348920). This variant is also absent from the Genome Aggregation Database (v2.1.1), indicating it is not a common polymorphism. This variant induces an early termination codon, however, most disease associated variants of FBN2 are missense variants and premature terminations are not typically identified. Given the lack of clinical and functional data, the significance of this variant is uncertain at this time.

PreventionGenetics, part of Exact Sciences
Classification: Likely pathogenic for FBN2-related condition. Last evaluated: 2024-04-12. Review status: no assertion criteria provided. Collection method: clinical testing. Allele origin: germline. Not counted in ClinVar's aggregate classification.
Comment: The FBN2 c.784C>T variant is predicted to result in premature protein termination (p.Arg262*). To our knowledge, this variant has not been reported in the literature or in a large population database, indicating this variant is rare. Nonsense variants in FBN2 are expected to be pathogenic. This variant is interpreted as likely pathogenic.